The following is an entry in ClinVar:

ClinVar aggregate classification (germline): Pathogenic (1 of 4 stars; one submission).

Submission:

Labcorp Genetics (formerly Invitae), Labcorp
Classification: Pathogenic. Last evaluated: 2024-01-07. Review status: criteria provided, single submitter. Criteria: Invitae Variant Classification Sherloc (09022015). Collection method: clinical testing. Allele origin: unknown.
Comment: This variant is a gross deletion of the genomic region encompassing exon(s) 5-9 of the LEMD3 gene. This deletion is out-of-frame, and is expected to create a premature termination codon and result in an absent or disrupted protein product. Loss-of-function variants in LEMD3 are known to be pathogenic (PMID: 15489854, 19438932). This variant has not been reported in the literature in individuals affected with LEMD3-related conditions. Experimental studies and prediction algorithms are not available or were not evaluated, and the functional significance of this variant is currently unknown. For these reasons, this variant has been classified as Pathogenic.

Literature cited by the submitters: PubMed 15489854; PubMed 19438932.

NC_000012.11:g.(?_65632262)_(65634887_?)del

Gene: LEMD3 (LEM domain containing 3; plus strand). Cytogenetic location: 12q14.3.
Variant type: Deletion.
Identifiers: ClinVar variation 3244419 (VCV003244419.1).